The following is an entry in ClinVar:

ClinVar aggregate classification (germline): Benign. Review status: criteria provided, multiple submitters, no conflicts (2 of 4 stars). 5 submissions from 5 submitters: Benign (4). 1 of the submissions does not count toward it. Last evaluated 2026-02-03.

Conditions:
Hyperuricemia, pulmonary hypertension, renal failure, alkalosis syndrome (HUPRAS). Also called: HYPERURICEMIA, PULMONARY HYPERTENSION, RENAL FAILURE, AND ALKALOSIS SYNDROME; HUPRA SYNDROME. Identifiers: Orphanet 363694, MedGen C3151209, MONDO:0013458, OMIM 613845.

Allele frequency attached by ClinVar (database versions not stated): gnomAD exomes 0.00807 and 0.01794; ExAC 0.02152; gnomAD 0.05820 and 0.06166; TOPMed 0.06453; ESP Exome Variant Server 0.06697; 1000 Genomes Project 0.07149; 1000 Genomes Project 30x 0.07495.
gnomAD v4.1: 21,169 of 1,614,028 alleles (1.3%); highest among the groups gnomAD compares: African/African-American, 20%; 1,536 homozygotes.

Submissions (5):

Labcorp Genetics (formerly Invitae), Labcorp
Classification: Benign. Last evaluated: 2026-02-03. Review status: criteria provided, single submitter. Criteria: Invitae Variant Classification Sherloc (09022015). Collection method: clinical testing. Allele origin: germline.

Illumina Laboratory Services, Illumina
Classification: Benign for Hyperuricemia, pulmonary hypertension, renal failure, alkalosis syndrome. Last evaluated: 2018-01-13. Review status: criteria provided, single submitter. Criteria: ICSL Variant Classification Criteria 13 December 2019. Collection method: clinical testing. Allele origin: germline.
Comment: This variant was observed in the ICSL laboratory as part of a predisposition screen in an ostensibly healthy population. It had not been previously curated by ICSL or reported in the Human Gene Mutation Database (HGMD: prior to June 1st, 2018), and was therefore a candidate for classification through an automated scoring system. Utilizing variant allele frequency, disease prevalence and penetrance estimates, and inheritance mode, an automated score was calculated to assess if this variant is too frequent to cause the disease. Based on the score and internal cut-off values, a variant classified as benign is not then subjected to further curation. The score for this variant resulted in a classification of benign for this disease.

GeneDx
Classification: Benign. Last evaluated: 2012-09-05. Review status: criteria provided, single submitter. Criteria: GeneDx Variant Classification (06012015). Collection method: clinical testing. Allele origin: germline. Affected: yes.
Comment: This variant is considered likely benign or benign based on one or more of the following criteria: it is a conservative change, it occurs at a poorly conserved position in the protein, it is predicted to be benign by multiple in silico algorithms, and/or has population frequency not consistent with disease.

Breakthrough Genomics
Classification: Benign. Review status: criteria provided, single submitter. Criteria: ACMG Guidelines, 2015. Collection method: not provided. Allele origin: germline. Inheritance: Autosomal recessive inheritance. Affected: yes.

Mayo Clinic Laboratories, Mayo Clinic
Classification: Benign. Last evaluated: 2016-02-22. Review status: no assertion criteria provided. Collection method: clinical testing. Allele origin: unknown. Not counted in ClinVar's aggregate classification.

NM_017827.4(SARS2):c.103A>G (p.Thr35Ala)

Genes: SARS2 (seryl-tRNA synthetase 2, mitochondrial; minus strand), LOC130064387 (ATAC-STARR-seq lymphoblastoid active region 14604; plus strand). Cytogenetic location: 19q13.2.
Variant type: single nucleotide variant.
Coding change: c.103A>G on transcript NM_017827.4 (MANE Select); coding-DNA position 103, A replaced by G.
Protein change: p.Thr35Ala; replaces threonine 35 with alanine.
Molecular consequence: missense variant.
Genome position (GRCh38, 1-based): chr19:38,930,634, T>C on the plus strand (A>G on the coding strand, the complement: SARS2 is on the minus strand). VCF-style: chr19-38930634-T-C. GRCh37 (hg19) VCF-style: chr19-39421274-T-C.
Other names: p.T35A:ACT>GCT; c.103A>G, p.Thr35Ala (NM_001145901.2); short protein forms T35A.
Identifiers: ClinVar variation 138960 (VCV000138960.17), dbSNP rs34264048, ClinGen allele CA293132.